The following is an entry in ClinVar:

ClinVar aggregate classification (germline): Uncertain significance (1 of 4 stars; one submission).

Submission:

Mayo Clinic Laboratories, Mayo Clinic
Classification: Uncertain significance. Last evaluated: 2024-06-18. Review status: criteria provided, single submitter. Criteria: ACMG Guidelines, 2015. Collection method: clinical testing. Allele origin: germline. Observed: 1 variant allele.
Comment: PM2, PM4

NM_014855.3(AP5Z1):c.1876CTG[1] (p.Leu627del)

Gene: AP5Z1 (adaptor related protein complex 5 subunit zeta 1; plus strand). Cytogenetic location: 7p22.1.
Variant type: Microsatellite.
Coding change: c.1876CTG[1] on transcript NM_014855.3 (MANE Select); one copy of the 3-base unit CTG starting at c.1876; the reference has two copies in a row; one copy, 3 bases deleted; also written c.1879_1881del.
Protein change: p.Leu627del; deletes leucine 627.
Molecular consequence: non-coding transcript variant (on NR_157345.1).
Genome position (GRCh38, 1-based): chr7:4,790,532-4,790,534, CTG deleted; deleting any 3 consecutive bases within chr7:4,790,529-4,790,534 gives the same sequence; the position shown is the placement nearest the transcript's 3' end. VCF-style (leftmost placement, unchanged base first): chr7-4790528-CCTG-C. GRCh37 (hg19) VCF-style: chr7-4830159-CCTG-C.
Other names: p.Leu627del; c.1408CTG[1], p.Leu471del (NM_001364858.1); c.1879_1881del (NM_014855.3); short protein forms L471del, L627del.
Identifiers: ClinVar variation 3379738 (VCV003379738.1).
Genomic context (GRCh38, chr7:4,790,528, plus strand): 5'-TTCTCAGTTCCTGGCCCTGTGTACGCTGAAACCCTCCCTGGTGGTGGAGCTGGCAAGAGA[CCTG>C]CTGGAGTTCCTGGGCAGCGTGAATGGTCTCTGCAGCAGGGCGAGCCTCGTCACCAGCGTG-3'